The following is an entry in ClinVar:

ClinVar aggregate classification (germline): Pathogenic (1 of 4 stars; one submission).

Conditions:
Oculofaciocardiodental syndrome (MCOPS2). Identifiers: Orphanet 2712, MedGen C1846265, MONDO:0010261, OMIM 300166.

Submission:

Labcorp Genetics (formerly Invitae), Labcorp
Classification: Pathogenic for Oculofaciocardiodental syndrome. Last evaluated: 2023-06-20. Review status: criteria provided, single submitter. Criteria: Invitae Variant Classification Sherloc (09022015). Collection method: clinical testing. Allele origin: germline.
Comment: This sequence change creates a premature translational stop signal (p.Arg1435Profs*13) in the BCOR gene. It is expected to result in an absent or disrupted protein product. Loss-of-function variants in BCOR are known to be pathogenic (PMID: 15004558, 19367324). This variant is not present in population databases (gnomAD no frequency). This variant has not been reported in the literature in individuals affected with BCOR-related conditions. For these reasons, this variant has been classified as Pathogenic.

Literature cited by the submitters: PubMed 15004558; PubMed 19367324.

NM_001123385.2(BCOR):c.4406_4412del (p.Arg1469fs)

Gene: BCOR (BCL6 corepressor; minus strand). Cytogenetic location: Xp11.4.
Variant type: Deletion.
Coding change: c.4406_4412del on transcript NM_001123385.2 (MANE Select); coding-DNA positions 4406 to 4412, 7 bases deleted (GGGCAGC; older notation c.4406_4412delGGGCAGC).
Protein change: p.Arg1469fs; shifts the reading frame from arginine 1469.
Molecular consequence: frameshift variant.
Genome position (GRCh38, 1-based): chrX:40,062,155-40,062,161, GCTGCCC deleted on the plus strand (GGGCAGC on the coding strand, the reverse complement: BCOR is on the minus strand); deleting any 7 consecutive bases within chrX:40,062,155-40,062,166 gives the same sequence; the c. name uses the placement nearest the transcript's 3' end. VCF-style (leftmost placement, unchanged base first): chrX-40062154-GGCTGCCC-G. GRCh37 (hg19) VCF-style: chrX-39921407-GGCTGCCC-G.
Other names: c.4299_4305delGCAGCGG, p.Arg1435Profs (NM_001123383.2); c.4250_4256del, p.Arg1417fs (NM_001123384.2); c.4304_4310del, p.Arg1435fs (NM_017745.6); short protein forms R1469fs, R1417fs, R1435fs.
Identifiers: ClinVar variation 2864109 (VCV002864109.3), dbSNP rs2519520021, ClinGen allele CA2739273431.
Genomic context (GRCh38, chrX:40,062,154, plus strand): 5'-CCGCCCCCCAGCCTGCAGCCCCAGGGAGCGCCCACAGGGACACACCTCATAGCCAAGCCT[GGCTGCCC>G]GCTGCAGAAGGGTCTCGCCAGCGTTCTTATTGACAATAAGTCTCCGTGCTTCCGGCGGCA-3'